The following is an entry in ClinVar:

ClinVar aggregate classification (germline): Likely benign (1 of 4 stars; one submission).

Allele frequency attached by ClinVar (database versions not stated): gnomAD 0.00293 and 0.00318; TOPMed 0.00330; 1000 Genomes Project 0.00339; 1000 Genomes Project 30x 0.00375.

Submission:

GeneDx
Classification: Likely benign. Last evaluated: 2018-06-14. Review status: criteria provided, single submitter. Criteria: GeneDx Variant Classification (06012015). Collection method: clinical testing. Allele origin: germline. Affected: yes.
Comment: This variant is considered likely benign or benign based on one or more of the following criteria: it is a conservative change, it occurs at a poorly conserved position in the protein, it is predicted to be benign by multiple in silico algorithms, and/or has population frequency not consistent with disease.

NM_006393.3(NEBL):c.1449+190A>G

Gene: NEBL (nebulette; minus strand). Cytogenetic location: 10p12.31.
Variant type: single nucleotide variant.
Coding change: c.1449+190A>G on transcript NM_006393.3 (MANE Select); 190 bases into the intron after coding-DNA position 1449, A replaced by G.
Molecular consequence: intron variant.
Genome position (GRCh38, 1-based): chr10:20,835,323, T>C on the plus strand (A>G on the coding strand, the complement: NEBL is on the minus strand). VCF-style: chr10-20835323-T-C. GRCh37 (hg19) VCF-style: chr10-21124252-T-C.
Other names: c.250-22383A>G (NM_001377326.1, NM_001377327.1, NM_001377328.1); c.358-22383A>G (NM_213569.2, NM_001173484.2, NM_001377322.1); c.301-22383A>G (NM_001377324.1); c.292-22383A>G (NM_001377325.1); c.310-22383A>G (NM_001377323.1).
Identifiers: ClinVar variation 676627 (VCV000676627.1), dbSNP rs71578941, ClinGen allele CA204165500.